The following is an entry in ClinVar:

ClinVar aggregate classification (germline): Pathogenic (1 of 4 stars; one submission).

Conditions:
Fanconi anemia (FA). Also called: Fanconi's anemia. Identifiers: Orphanet 84, MedGen C0015625, MeSH D005199, MONDO:0019391.

Submission:

Labcorp Genetics (formerly Invitae), Labcorp
Classification: Pathogenic for Fanconi anemia. Last evaluated: 2022-08-22. Review status: criteria provided, single submitter. Criteria: Invitae Variant Classification Sherloc (09022015). Collection method: clinical testing. Allele origin: germline.
Comment: This variant is a gross deletion of the genomic region encompassing exon(s) 35-38 of the FANCD2 gene. This deletion is out-of-frame, and is expected to create a premature termination codon and result in an absent or disrupted protein product. Loss-of-function variants in FANCD2 are known to be pathogenic (PMID: 17436244). For these reasons, this variant has been classified as Pathogenic. This variant has not been reported in the literature in individuals affected with FANCD2-related conditions.

Literature cited by the submitters: PubMed 17436244.

NC_000003.11:g.(?_10130113)_(10133956_?)del

Genes: FANCD2 (FA complementation group D2; plus strand), FANCD2OS (FANCD2 opposite strand; minus strand). Cytogenetic location: 3p25.3.
Variant type: Deletion.
Identifiers: ClinVar variation 2427114 (VCV002427114.4).